The following is an entry in ClinVar:

NM_001367561.1(DOCK7):c.3448_3450del (p.Ser1150del)

Gene: DOCK7 (dedicator of cytokinesis 7; minus strand). Cytogenetic location: 1p31.3.
Variant type: Deletion.
Coding change: c.3448_3450del on transcript NM_001367561.1 (MANE Select); coding-DNA positions 3448 to 3450, 3 bases deleted (TCT; older notation c.3448_3450delTCT).
Protein change: p.Ser1150del; deletes serine 1150.
Molecular consequence: inframe deletion.
Genome position (GRCh38, 1-based): chr1:62,537,912-62,537,914, AGA deleted on the plus strand (TCT on the coding strand, the reverse complement: DOCK7 is on the minus strand); deleting any 3 consecutive bases within chr1:62,537,912-62,537,916 gives the same sequence; the c. name uses the placement nearest the transcript's 3' end. VCF-style (leftmost placement, unchanged base first): chr1-62537911-CAGA-C. GRCh37 (hg19) VCF-style: chr1-63003582-CAGA-C.
Other names: c.3448_3450del, p.Ser1150del (NM_001271999.2, NM_001330614.2); c.3355_3357del, p.Ser1119del (NM_001272000.2, NM_001272001.2, NM_033407.4); short protein forms S1119del, S1150del.
Identifiers: ClinVar variation 1005733 (VCV001005733.9), dbSNP rs1645399262, ClinGen allele CA1171122177.

ClinVar aggregate classification (germline): Uncertain significance (1 of 4 stars; one submission).

Conditions:
Developmental and epileptic encephalopathy, 23 (DEE23). Also called: Epileptic encephalopathy, early infantile, 23. Identifiers: Orphanet 411986, MedGen C4014492, MONDO:0014371, OMIM 615859.

Submission:

Labcorp Genetics (formerly Invitae), Labcorp
Classification: Uncertain significance for Developmental and epileptic encephalopathy, 23. Last evaluated: 2020-10-20. Review status: criteria provided, single submitter. Criteria: Invitae Variant Classification Sherloc (09022015). Collection method: clinical testing. Allele origin: germline.
Comment: This variant is not present in population databases (ExAC no frequency). This variant, c.3448_3450del, results in the deletion of 1 amino acid(s) of the DOCK7 protein (p.Ser1150del), but otherwise preserves the integrity of the reading frame. This variant has not been reported in the literature in individuals with DOCK7-related conditions. In summary, the available evidence is currently insufficient to determine the role of this variant in disease. Therefore, it has been classified as a Variant of Uncertain Significance. Experimental studies and prediction algorithms are not available or were not evaluated, and the functional significance of this variant is currently unknown.